The following is an entry in ClinVar:

ClinVar aggregate classification (germline): Pathogenic/Likely pathogenic. Review status: no assertion criteria provided (0 of 4 stars). 2 submissions from 2 submitters: Pathogenic (1); Likely pathogenic (1). Last evaluated 2021-10-15.

Conditions:
Charcot-Marie-Tooth Disease, axonal, type 2GG (CMT2GG). Also called: Charcot-Marie-Tooth neuropathy, type 2GG; Charcot-Marie-Tooth neuropathy, axonal, type 2GG; Charcot-Marie-Tooth disease dominant intermediate II. Identifiers: Orphanet 100043, MedGen C5561933, MONDO:0011675, OMIM 606483.
Motor axonal neuropathy. Identifiers: MedGen C2749625, HP:0007002.

Allele frequency attached by ClinVar (database versions not stated): gnomAD exomes below 0.00001; gnomAD 0.00001 and 0.00003.
gnomAD v4.1: 3 of 1,601,274 alleles (0.00019%); highest among the groups gnomAD compares: African/African-American, 0.004%; no homozygotes.

Submissions (2):

OMIM
Classification: Pathogenic for CHARCOT-MARIE-TOOTH DISEASE, AXONAL, TYPE 2GG. Last evaluated: 2021-10-15. Review status: no assertion criteria provided. Collection method: literature only. Allele origin: germline.

Institute of Human Genetics, Cologne University
Classification: Likely pathogenic for Motor axonal neuropathy. Review status: no assertion criteria provided. Collection method: research. Allele origin: de novo. Inheritance: Sporadic. Affected: yes. Observed: 1 heterozygote.
Comment: The variant is de novo. Skin fibroblast from the affected individual showed an increased golgi fragmentation favoring the pathogenic effect of the variant. A research paper reporting this work is submitted and currently under revision.

Literature cited by the submitters: PubMed 32937143 (cited by OMIM).

NM_001377137.1(GBF1):c.3413C>T (p.Ala1138Val)

Gene: GBF1 (golgi brefeldin A resistant guanine nucleotide exchange factor 1; plus strand). Cytogenetic location: 10q24.32.
Variant type: single nucleotide variant.
Coding change: c.3413C>T on transcript NM_001377137.1 (MANE Select); coding-DNA position 3413, C replaced by T.
Protein change: p.Ala1138Val; replaces alanine 1138 with valine.
Molecular consequence: missense variant. On other transcripts: non-coding transcript variant (5).
Genome position (GRCh38, 1-based): chr10:102,370,385, C>T. VCF-style: chr10-102370385-C-T. GRCh37 (hg19) VCF-style: chr10-104130142-C-T.
Other names: c.3413C>T, p.Ala1138Val (NM_001199378.2); c.3410C>T, p.Ala1137Val (NM_001199379.2, NM_001377141.1, NM_004193.3); c.3374C>T, p.Ala1125Val (NM_001377138.1); c.3116C>T, p.Ala1039Val (NM_001377139.1, NM_001377140.1); short protein forms A1039V, A1125V, A1137V, A1138V.
Identifiers: ClinVar variation 975152 (VCV000975152.4), dbSNP rs1299997613, ClinGen allele CA377870962.